The following is an entry in ClinVar:

NM_001042492.3(NF1):c.5713_5714del (p.Thr1905fs)

Gene: NF1 (neurofibromin 1; plus strand). Cytogenetic location: 17q11.2.
Variant type: Microsatellite.
Coding change: c.5713_5714del on transcript NM_001042492.3 (MANE Select); coding-DNA positions 5713 to 5714, 2 bases deleted (AC; older notation c.5713_5714delAC).
Protein change: p.Thr1905fs; shifts the reading frame from threonine 1905.
Molecular consequence: frameshift variant.
Genome position (GRCh38, 1-based): chr17:31,330,399-31,330,400, AC deleted; deleting any 2 consecutive bases within chr17:31,330,397-31,330,400 gives the same sequence; the c. name uses the placement nearest the transcript's 3' end. VCF-style (leftmost placement, unchanged base first): chr17-31330396-AAC-A. GRCh37 (hg19) VCF-style: chr17-29657414-AAC-A.
Other names: c.5650_5651del, p.Thr1884fs (NM_000267.4); short protein forms T1884fs, T1905fs.
Identifiers: ClinVar variation 4531647 (VCV004531647.1).

ClinVar aggregate classification (germline): Pathogenic (1 of 4 stars; one submission).

Conditions:
Neurofibromatosis, type 1 (NF1). Also called: Neurofibromatosis, type I; Peripheral type neurofibromatosis; VON RECKLINGHAUSEN DISEASE; NEUROFIBROMATOSIS, TYPE I, SOMATIC. Identifiers: Orphanet 636, MedGen C0027831, MONDO:0018975, OMIM 162200. Disease mechanism: loss of function.

Submission:

Victorian Clinical Genetics Services, Murdoch Childrens Research Institute
Classification: Pathogenic for Neurofibromatosis, type 1. Last evaluated: 2025-09-03. Review status: criteria provided, single submitter. Criteria: ACMG Guidelines, 2015. Collection method: clinical testing. Allele origin: germline. Affected: yes.
Comment: This variant is classified as Pathogenic. Evidence in support of pathogenic classification: Variant is predicted to cause nonsense-mediated decay (NMD) and loss of protein (premature termination codon is located at least 54 nucleotides upstream of the final exon-exon junction); Variant is absent from gnomAD (v2, v3 and v4); Other NMD-predicted variant(s) comparable to the one identified in this case have very strong previous evidence for pathogenicity (DECIPHER); Additional information: This variant is heterozygous; This gene is associated with autosomal dominant disease; Loss of function is a known mechanism of disease in this gene and is associated with neurofibromatosis, type 1 (MONDO:0018975); Variants in this gene are known to have variable expressivity. Disease manifestation can be extremely variable, even within a family (PMID: 20301288).

Literature cited by the submitters: PubMed 20301288.